The following is an entry in ClinVar:

ClinVar aggregate classification (germline): Uncertain significance (1 of 4 stars; one submission).

Allele frequency attached by ClinVar (database versions not stated): TOPMed below 0.00001.
gnomAD v4.1: 1 of 1,613,934 alleles (0.000062%); highest among the groups gnomAD compares: Non-Finnish European, 0.000085%; no homozygotes.

Submission:

Labcorp Genetics (formerly Invitae), Labcorp
Classification: Uncertain significance. Last evaluated: 2021-11-23. Review status: criteria provided, single submitter. Criteria: Invitae Variant Classification Sherloc (09022015). Collection method: clinical testing. Allele origin: germline.
Comment: In summary, the available evidence is currently insufficient to determine the role of this variant in disease. Therefore, it has been classified as a Variant of Uncertain Significance. Advanced modeling of protein sequence and biophysical properties (such as structural, functional, and spatial information, amino acid conservation, physicochemical variation, residue mobility, and thermodynamic stability) performed at Invitae indicates that this missense variant is not expected to disrupt COL9A3 protein function. This variant has not been reported in the literature in individuals affected with COL9A3-related conditions. This variant is not present in population databases (gnomAD no frequency). This sequence change replaces proline, which is neutral and non-polar, with arginine, which is basic and polar, at codon 497 of the COL9A3 protein (p.Pro497Arg).

NM_001853.4(COL9A3):c.1490C>G (p.Pro497Arg)

Genes: COL9A3 (collagen type IX alpha 3 chain; plus strand), LOC126863084 (MED14-independent group 3 enhancer GRCh37_chr20:61467141-61468340; plus strand). Cytogenetic location: 20q13.33.
Variant type: single nucleotide variant.
Coding change: c.1490C>G on transcript NM_001853.4 (MANE Select); coding-DNA position 1490, C replaced by G.
Protein change: p.Pro497Arg; replaces proline 497 with arginine.
Molecular consequence: missense variant.
Genome position (GRCh38, 1-based): chr20:62,836,275, C>G. VCF-style: chr20-62836275-C-G. GRCh37 (hg19) VCF-style: chr20-61467627-C-G.
Other names: short protein forms P497R.
Identifiers: ClinVar variation 1431965 (VCV001431965.6), dbSNP rs777038224, ClinGen allele CA409597976.